The following is an entry in ClinVar:

ClinVar aggregate classification (germline): Uncertain significance (1 of 4 stars; one submission).

Conditions:
Aicardi-Goutieres syndrome 2. Identifiers: Orphanet 51, MedGen C3489724, MONDO:0012429, OMIM 610181.

Submission:

Labcorp Genetics (formerly Invitae), Labcorp
Classification: Uncertain significance for Aicardi-Goutieres syndrome 2. Last evaluated: 2022-07-06. Review status: criteria provided, single submitter. Criteria: Invitae Variant Classification Sherloc (09022015). Collection method: clinical testing. Allele origin: germline.
Comment: This sequence change results in a frameshift in the RNASEH2B gene (p.Ile309Lysfs*27). While this is not anticipated to result in nonsense mediated decay, it is expected to disrupt the last 4 amino acid(s) of the RNASEH2B protein and extend the protein by 22 additional amino acid residues. The frequency data for this variant in the population databases is considered unreliable, as metrics indicate poor data quality at this position in the gnomAD database. This variant has not been reported in the literature in individuals affected with RNASEH2B-related conditions. ClinVar contains an entry for this variant (Variation ID: 1485552). In summary, the available evidence is currently insufficient to determine the role of this variant in disease. Therefore, it has been classified as a Variant of Uncertain Significance.

NM_024570.4(RNASEH2B):c.924_925dup (p.Ile309fs)

Gene: RNASEH2B (ribonuclease H2 subunit B; plus strand). Cytogenetic location: 13q14.3.
Variant type: Duplication.
Coding change: c.924_925dup on transcript NM_024570.4 (MANE Select); coding-DNA positions 924 to 925, 2 bases duplicated (AA; older notation c.924_925dupAA).
Protein change: p.Ile309fs; shifts the reading frame from isoleucine 309.
Molecular consequence: frameshift variant. On other transcripts: intron variant (1).
Genome position (GRCh38, 1-based): chr13:50,956,459-50,956,460, AA duplicated; duplicating any 2 consecutive bases within chr13:50,956,451-50,956,460 gives the same sequence; the c. name uses the placement nearest the transcript's 3' end. VCF-style (leftmost placement, unchanged base first): chr13-50956450-T-TAA. GRCh37 (hg19) VCF-style: chr13-51530586-T-TAA.
Other names: c.741+6954_741+6955dup (NM_001142279.2); short protein forms I309fs.
Identifiers: ClinVar variation 1485552 (VCV001485552.3), dbSNP rs75254367, ClinGen allele CA6985753.